The following is an entry in ClinVar:

NM_000059.4(BRCA2):c.266del (p.Pro89fs)

Gene: BRCA2 (BRCA2 DNA repair associated; plus strand). Cytogenetic location: 13q13.1.
Variant type: Deletion.
Coding change: c.266del on transcript NM_000059.4 (MANE Select); coding-DNA position 266, one base deleted (C; older notation c.266delC).
Protein change: p.Pro89fs; shifts the reading frame from proline 89.
Molecular consequence: frameshift variant.
Genome position (GRCh38, 1-based): chr13:32,319,275, C deleted; the last of 2 consecutive C bases (chr13:32,319,274-32,319,275); deleting either gives the same sequence. VCF-style (leftmost placement, unchanged base first): chr13-32319273-GC-G. GRCh37 (hg19) VCF-style: chr13-32893410-GC-G.
Other names: 494delC; c.266delC (NM_000059.3).
Identifiers: ClinVar variation 51324 (VCV000051324.3), dbSNP rs80359341, ClinGen allele CA015997.

ClinVar aggregate classification (germline): Pathogenic. Review status: reviewed by expert panel (3 of 4 stars). 3 submissions from 3 submitters: Pathogenic (1). 2 of the submissions do not count toward it. Last evaluated 2016-09-08.

Conditions:
Breast-ovarian cancer, familial, susceptibility to, 2 (BROVCA2). Also called: BRCA2 Hereditary Breast and Ovarian Cancer. Identifiers: Orphanet 145, MedGen C2675520, MONDO:0012933, OMIM 612555. Disease mechanism: loss of function.

Submissions (3):

Evidence-based Network for the Interpretation of Germline Mutant Alleles (ENIGMA)
Classification: Pathogenic for Breast-ovarian cancer, familial, susceptibility to, 2. Last evaluated: 2016-09-08. Review status: reviewed by expert panel. Criteria: ENIGMA BRCA1/2 Classification Criteria (2015). Collection method: curation. Allele origin: germline.
Comment: Variant allele predicted to encode a truncated non-functional protein.

Consortium of Investigators of Modifiers of BRCA1/2 (CIMBA), c/o University of Cambridge
Classification: Pathogenic for Breast-ovarian cancer, familial, susceptibility to, 2. Last evaluated: 2015-10-02. Review status: criteria provided, single submitter. Criteria: CIMBA Mutation Classification guidelines May 2016. Collection method: clinical testing. Allele origin: germline. Not counted in ClinVar's aggregate classification.

Breast Cancer Information Core (BIC) (BRCA2)
Classification: Pathogenic for Breast-ovarian cancer, familial 2. Last evaluated: 2004-03-30. Review status: no assertion criteria provided. Collection method: clinical testing. Allele origin: germline. Affected: yes. Observed: 1 variant allele. Not counted in ClinVar's aggregate classification.